The following continues an entry in ClinVar:

NM_007194.4(CHEK2):c.1368dup (p.Glu457fs)

Gene: CHEK2. ClinVar aggregate classification (germline): Pathogenic/Likely pathogenic. Pathogenic (17); Likely pathogenic (2).

Submissions 10 to 21 of 21:

Ambry Genetics
Classification: Pathogenic for Hereditary cancer-predisposing syndrome. Last evaluated: 2024-11-21. Review status: criteria provided, single submitter. Criteria: Ambry Variant Classification Scheme 2023. Collection method: clinical testing. Allele origin: germline.
Comment: The c.1368dupA pathogenic mutation, located in coding exon 11 of the CHEK2 gene, results from a duplication of A at nucleotide position 1368, causing a translational frameshift with a predicted alternate stop codon (p.E457Rfs*33). This mutation has also been reported in 6 individuals from a cohort of 45879 patients who underwent multi-gene panel testing including CHEK2 (Leedom TP et al. Cancer Genet. 2016 Sep;209:403-407), in 1 of 10030 individuals undergoing hereditary cancer panel testing through a clinical laboratory (Susswein LR et al. Genet. Med. 2016 Aug;18:823-32), and in 1 of 8085 consecutive unrelated Chinese breast cancer patients who underwent multi-gene panel testing (Sun J et al. Clin. Cancer Res. 2017 Oct;23:6113-6119). In addition to the clinical data presented in the literature, this alteration is expected to result in loss of function by premature protein truncation or nonsense-mediated mRNA decay. As such, this alteration is interpreted as a disease-causing mutation.

Color Diagnostics, LLC DBA Color Health
Classification: Pathogenic for Hereditary cancer-predisposing syndrome. Last evaluated: 2024-09-09. Review status: criteria provided, single submitter. Criteria: ACMG Guidelines, 2015. Collection method: clinical testing. Allele origin: germline.
Comment: This variant inserts 1 nucleotide in exon 12 of the CHEK2 gene, creating a frameshift and premature translation stop signal. This variant is expected to result in an absent or non-functional protein product. This variant has been reported in multiple individuals affected with breast cancer (PMID: 26681312, 26976419, 28724667, 33925588; Color internal data). In a large breast cancer case-control study conducted by the BRIDGES consortium, this variant was reported in 3/60466 cases and 5/53461 unaffected controls (PMID: 33471991; Leiden Open Variation Database DB-ID CHEK2_000164). This variant has been identified in 5/251012 chromosomes in the general population by the Genome Aggregation Database (gnomAD). Loss of CHEK2 function is a known mechanism of disease. Based on the available evidence, this variant is classified as Pathogenic.

CeGaT Center for Human Genetics Tuebingen
Classification: Pathogenic. Last evaluated: 2024-07-01. Review status: criteria provided, single submitter. Criteria: CeGaT Center For Human Genetics Tuebingen Variant Classification Criteria Version 2. Collection method: clinical testing. Allele origin: germline. Affected: yes. Observed: 1 variant allele.
Comment: CHEK2: PVS1, PM2, PS4:Moderate

Baylor Genetics
Classification: Pathogenic for Familial cancer of breast. Last evaluated: 2024-03-24. Review status: criteria provided, single submitter. Criteria: ACMG Guidelines, 2015. Collection method: clinical testing. Allele origin: unknown.

GeneDx
Classification: Pathogenic. Last evaluated: 2023-03-14. Review status: criteria provided, single submitter. Criteria: GeneDx Variant Classification Process June 2021. Collection method: clinical testing. Allele origin: germline. Affected: yes.
Comment: Frameshift variant predicted to result in protein truncation or nonsense mediated decay in a gene for which loss-of-function is a known mechanism of disease; Not observed at significant frequency in large population cohorts (gnomAD); This variant is associated with the following publications: (PMID: 27751358, 30322717, 26689913, 29625052, 26681312, 26976419, 29356917, 28724667, 30487145, 31060593, 32906215, 33925588, 32805687, 29922827, 34308104)

Myriad Genetics, Inc.
Classification: Pathogenic for Familial cancer of breast. Last evaluated: 2023-03-08. Review status: criteria provided, single submitter. Criteria: Myriad Autosomal Dominant, Autosomal Recessive and X-Linked Classification Criteria (2023). Collection method: clinical testing. Allele origin: unknown.
Comment: This variant is considered pathogenic. This variant creates a frameshift predicted to result in premature protein truncation.

Sema4
Classification: Pathogenic for Hereditary cancer-predisposing syndrome. Last evaluated: 2021-10-06. Review status: criteria provided, single submitter. Criteria: Sema4 Curation Guidelines. Collection method: curation. Allele origin: germline.
Comment: The CHEK2 c.1368dupA (p.E457RfsX33) variant has been reported in heterozygosity in at least 9 individuals with breast cancer (PMID: 26681312, 31300551, 28724667, 27751358). This variant causes a frameshift at amino acid 457 that results in premature termination 33 amino acids downstream. At this location, this is predicted to cause nonsense-mediated decay and result in an absent protein (loss of function). Loss of function variants in CHEK2 are known to be pathogenic (PMID: 21876083, 24713400). This variant was observed in 5/113376 chromosomes in the Non-Finnish European population, according to the Genome Aggregation Database (PMID: 32461654). This variant has been reported in ClinVar (Variation ID: 182450). Based on the current evidence available, this variant is interpreted as pathogenic.

Department of Pathology and Laboratory Medicine, Sinai Health System
Classification: Pathogenic for Familial prostate cancer; Bone osteosarcoma; CHEK2-related cancer predisposition. Last evaluated: 2020-07-15. Review status: criteria provided, single submitter. Criteria: ACMG Guidelines, 2015. Collection method: clinical testing. Allele origin: germline. Affected: no.

Genetics and Molecular Pathology, SA Pathology
Classification: Pathogenic for Familial cancer of breast. Last evaluated: 2020-02-26. Review status: criteria provided, single submitter. Criteria: ACMG Guidelines, 2015. Collection method: clinical testing. Allele origin: germline. Inheritance: Autosomal dominant inheritance. Affected: yes.

Women's Health and Genetics/Laboratory Corporation of America, LabCorp
Classification: Pathogenic for Familial cancer of breast. Last evaluated: 2018-02-02. Review status: criteria provided, single submitter. Criteria: LabCorp Variant Classification Summary - May 2015. Collection method: clinical testing. Allele origin: germline.
Comment: Variant summary: CHEK2 c.1368dupA (p.Glu457ArgfsX33) results in a premature termination codon, predicted to cause a truncation of the encoded protein or absence of the protein due to nonsense mediated decay, which are commonly known mechanisms for disease. At least one publication reports experimental evidence evaluating an impact on protein function, which demonstrated that the truncated protein product is localizes exclusively to the cytoplasm, suggesting the 1368dupA mutant to be nonfunctional, as the main substrates for CHK2 phosphorylation are located in the nucleus (Staalesen 2004). The variant allele was found at a frequency of 2.4e-05 in 245848 control chromosomes. This frequency is not significantly higher than expected for a pathogenic variant in CHEK2 causing Hereditary Breast and Ovarian Cancer (2.4e-05 vs 0.00031), allowing no conclusion about variant significance; moreover pseudogene interference might also affect the validity of these frequency results. c.1368dupA has been reported in the literature in multiple individuals affected with Hereditary Breast and Ovarian Cancer (Tung 2016, Susswein 2016, Leedom 2016). These data indicate that the variant is very likely to be associated with disease. Four clinical diagnostic laboratories have submitted clinical-significance assessments for this variant to ClinVar after 2014. All laboratories classified the variant as pathogenic/likely pathogenic. Based on the evidence outlined above, the variant was classified as pathogenic.

Counsyl
Classification: Likely pathogenic for Familial cancer of breast. Last evaluated: 2017-01-09. Review status: no assertion criteria provided. Collection method: clinical testing. Allele origin: unknown. Not counted in ClinVar's aggregate classification.

Snyder Lab, Genetics Department, Stanford University
Classification: Likely pathogenic for CHEK2-Related Cancer Susceptibility. Last evaluated: 2017-01-01. Review status: no assertion criteria provided. Criteria: ACMG Guidelines, 2015. Collection method: research. Allele origin: germline. Not counted in ClinVar's aggregate classification.

Literature cited by the submitters: PubMed 21876083 (cited by Labcorp Genetics (formerly Invitae), Labcorp and Sema4); PubMed 24713400 (cited by Labcorp Genetics (formerly Invitae), Labcorp and Sema4); PubMed 26681312 (cited by 8 submitters); PubMed 26976419 (cited by 8 submitters); PubMed 28724667 (cited by 6 submitters); PubMed 15361853 (cited by 4 submitters); PubMed 24879340 (cited by Institute for Genomic Medicine (IGM) Clinical Laboratory, Nationwide Children's Hospital); PubMed 31948886 (cited by Institute for Genomic Medicine (IGM) Clinical Laboratory, Nationwide Children's Hospital); PubMed 36551643 (cited by Institute for Genomic Medicine (IGM) Clinical Laboratory, Nationwide Children's Hospital); PubMed 18725978 (cited by 3 submitters); PubMed 27751358 (cited by 6 submitters); PubMed 33925588 (cited by Institute for Genomic Medicine (IGM) Clinical Laboratory, Nationwide Children's Hospital and Color Diagnostics, LLC DBA Color Health); PubMed 31300551 (cited by Mayo Clinic Laboratories, Mayo Clinic and Sema4); PubMed 32805687 (cited by Quest Diagnostics Nichols Institute San Juan Capistrano); PubMed 34308104 (cited by Quest Diagnostics Nichols Institute San Juan Capistrano); PubMed 29625052 (cited by Quest Diagnostics Nichols Institute San Juan Capistrano); PubMed 33047316 (cited by Quest Diagnostics Nichols Institute San Juan Capistrano); PubMed 34326862 (cited by Quest Diagnostics Nichols Institute San Juan Capistrano); PubMed 30322717 (cited by Quest Diagnostics Nichols Institute San Juan Capistrano); PubMed 33471991 (cited by Quest Diagnostics Nichols Institute San Juan Capistrano and Color Diagnostics, LLC DBA Color Health).